The following is an entry in ClinVar:

ClinVar aggregate classification (germline): Likely benign. Review status: criteria provided, multiple submitters, no conflicts (2 of 4 stars). 2 submissions from 2 submitters: Likely benign (2). Last evaluated 2026-06-01.

Conditions:
CHARGE syndrome (CHARGE). Also called: Coloboma, heart anomaly, choanal atresia, retardation, genital and ear anomalies; CHARGE association; Hall-Hittner syndrome; Hittner Hirsch Kreh syndrome; CHARGE ASSOCIATION--COLOBOMA, HEART ANOMALY, CHOANAL ATRESIA, RETARDATION, GENITAL AND EAR ANOMALIES. Identifiers: Orphanet 138, MedGen C0265354, MONDO:0008965.

Allele frequency attached by ClinVar (database versions not stated): ExAC 0.00002; TOPMed 0.00003.
gnomAD v4.1: 60 of 1,609,438 alleles (0.0037%); highest among the groups gnomAD compares: Middle Eastern, 0.016%; no homozygotes.

Submissions (2):

CeGaT Center for Human Genetics Tuebingen
Classification: Likely benign. Last evaluated: 2026-06-01. Review status: criteria provided, single submitter. Criteria: CeGaT Center For Human Genetics Tuebingen Variant Classification Criteria Version 2. Collection method: clinical testing. Allele origin: germline. Affected: yes. Observed: 2 variant alleles.
Comment: CHD7: BP4

Labcorp Genetics (formerly Invitae), Labcorp
Classification: Likely benign for CHARGE syndrome. Last evaluated: 2025-02-08. Review status: criteria provided, single submitter. Criteria: Invitae Variant Classification Sherloc (09022015). Collection method: clinical testing. Allele origin: germline.

NM_017780.4(CHD7):c.1728G>A (p.Pro576=)

Genes: CHD7 (chromodomain helicase DNA binding protein 7; plus strand), LOC126860403 (CDK7 strongly-dependent group 2 enhancer GRCh37_chr8:61693034-61694233; plus strand). Cytogenetic location: 8q12.2.
Variant type: single nucleotide variant.
Coding change: c.1728G>A on transcript NM_017780.4 (MANE Select); coding-DNA position 1728, G replaced by A.
Protein change: p.Pro576=; no amino-acid change (proline 576 retained).
Molecular consequence: synonymous variant. On other transcripts: intron variant (1).
Genome position (GRCh38, 1-based): chr8:60,781,062, G>A. VCF-style: chr8-60781062-G-A. GRCh37 (hg19) VCF-style: chr8-61693621-G-A.
Other names: c.1716+12G>A (NM_001316690.1).
Identifiers: ClinVar variation 696829 (VCV000696829.18), dbSNP rs754836392, ClinGen allele CA4759564.